The following is an entry in ClinVar:

ClinVar aggregate classification (germline): Uncertain significance (1 of 4 stars; one submission).

Submission:

GeneDx
Classification: Uncertain significance. Last evaluated: 2024-04-26. Review status: criteria provided, single submitter. Criteria: GeneDx Variant Classification Process June 2021. Collection method: clinical testing. Allele origin: germline. Affected: yes.
Comment: Not observed at significant frequency in large population cohorts (gnomAD); In silico analysis indicates that this missense variant does not alter protein structure/function; Has not been previously published as pathogenic or benign to our knowledge

NM_138694.4(PKHD1):c.9025G>A (p.Val3009Met)

Gene: PKHD1 (PKHD1 ciliary IPT domain containing fibrocystin/polyductin; minus strand). Cytogenetic location: 6p12.3.
Variant type: single nucleotide variant.
Coding change: c.9025G>A on transcript NM_138694.4 (MANE Select); coding-DNA position 9025, G replaced by A.
Protein change: p.Val3009Met; replaces valine 3009 with methionine.
Molecular consequence: missense variant.
Genome position (GRCh38, 1-based): chr6:51,748,591, C>T on the plus strand (G>A on the coding strand, the complement: PKHD1 is on the minus strand). VCF-style: chr6-51748591-C-T. GRCh37 (hg19) VCF-style: chr6-51613389-C-T.
Other names: c.9025G>A, p.Val3009Met (NM_170724.3); short protein forms V3009M.
Identifiers: ClinVar variation 3373074 (VCV003373074.1).